The following is an entry in ClinVar:

NM_001127222.2(CACNA1A):c.4951A>G (p.Asn1651Asp)

Gene: CACNA1A (calcium voltage-gated channel subunit alpha1 A; minus strand). Cytogenetic location: 19p13.13.
Variant type: single nucleotide variant.
Coding change: c.4951A>G on transcript NM_001127222.2 (MANE Select); coding-DNA position 4951, A replaced by G.
Protein change: p.Asn1651Asp; replaces asparagine 1651 with aspartic acid.
Molecular consequence: missense variant.
Genome position (GRCh38, 1-based): chr19:13,235,730, T>C on the plus strand (A>G on the coding strand, the complement: CACNA1A is on the minus strand). VCF-style: chr19-13235730-T-C. GRCh37 (hg19) VCF-style: chr19-13346544-T-C.
Other names: c.4969A>G, p.Asn1657Asp (NM_000068.4, NM_023035.3); c.4954A>G, p.Asn1652Asp (NM_001127221.2); c.4960A>G, p.Asn1654Asp (NM_001174080.2); short protein forms N1651D, N1657D, N1652D, N1654D.
Identifiers: ClinVar variation 2938311 (VCV002938311.3), dbSNP rs1309657917, ClinGen allele CA404337203.

ClinVar aggregate classification (germline): Uncertain significance (1 of 4 stars; one submission).

Conditions:
Episodic ataxia type 2 (EA2). Also called: CEREBELLAR ATAXIA, PAROXYSMAL, ACETAZOLAMIDE-RESPONSIVE; CEREBELLOPATHY, HEREDITARY PAROXYSMAL; EPISODIC ATAXIA, NYSTAGMUS-ASSOCIATED; ACETAZOLAMIDE-RESPONSIVE HEREDITARY PAROXYSMAL CEREBELLAR ATAXIA; ATAXIA, EPISODIC, WITH NYSTAGMUS; ATAXIA, FAMILIAL PAROXYSMAL. Identifiers: Orphanet 97, MedGen C1720416, MONDO:0007163, OMIM 108500.
Developmental and epileptic encephalopathy, 42 (DEE42A). Also called: Epileptic encephalopathy, early infantile, 42; DEVELOPMENTAL AND EPILEPTIC ENCEPHALOPATHY 42A; EPILEPTIC ENCEPHALOPATHY, EARLY INFANTILE, 42A. Identifiers: MedGen C4310716, MONDO:0014917, OMIM 617106.

Allele frequency attached by ClinVar (database versions not stated): gnomAD exomes below 0.00001.
gnomAD v4.1: 1 of 1,610,778 alleles (0.000062%); highest among the groups gnomAD compares: Non-Finnish European, 0.000085%; no homozygotes.

Submission:

Labcorp Genetics (formerly Invitae), Labcorp
Classification: Uncertain significance for Developmental and epileptic encephalopathy, 42; Episodic ataxia type 2. Last evaluated: 2023-04-20. Review status: criteria provided, single submitter. Criteria: Invitae Variant Classification Sherloc (09022015). Collection method: clinical testing. Allele origin: germline.
Comment: This sequence change replaces asparagine, which is neutral and polar, with aspartic acid, which is acidic and polar, at codon 1652 of the CACNA1A protein (p.Asn1652Asp). This variant is present in population databases (no rsID available, gnomAD 0.0009%). This variant has not been reported in the literature in individuals affected with CACNA1A-related conditions. An algorithm developed to predict the effect of missense changes on protein structure and function (PolyPhen-2) suggests that this variant is likely to be tolerated. In summary, the available evidence is currently insufficient to determine the role of this variant in disease. Therefore, it has been classified as a Variant of Uncertain Significance.